The following is an entry in ClinVar:

NM_012210.4(TRIM32):c.1369T>G (p.Leu457Val)

Genes: ASTN2 (astrotactin 2; minus strand), TRIM32 (tripartite motif containing 32; plus strand). Cytogenetic location: 9q33.1.
Variant type: single nucleotide variant.
Coding change: c.1369T>G on transcript NM_012210.4 (MANE Select); coding-DNA position 1369, T replaced by G.
Protein change: p.Leu457Val; replaces leucine 457 with valine.
Molecular consequence: missense variant. On other transcripts: intron variant (3).
Genome position (GRCh38, 1-based): chr9:116,699,111, T>G. VCF-style: chr9-116699111-T-G. GRCh37 (hg19) VCF-style: chr9-119461390-T-G.
Other names: c.1369T>G, p.Leu457Val (NM_001099679.2, NM_001379048.1, NM_001379049.1 and 1 more transcripts); c.2653+26660A>C (NM_014010.5); c.2794+26660A>C (NM_001365069.1); c.2806+26660A>C (NM_001365068.1); short protein forms L457V.
Identifiers: ClinVar variation 1491922 (VCV001491922.7), dbSNP rs1275345258, ClinGen allele CA374651534.

ClinVar aggregate classification (germline): Uncertain significance. Review status: criteria provided, multiple submitters, no conflicts (2 of 4 stars). 2 submissions from 2 submitters: Uncertain significance (2). Last evaluated 2021-12-23.

Conditions:
Bardet-Biedl syndrome (BBS). Identifiers: Orphanet 110, MedGen C0752166, MONDO:0015229.

Allele frequency attached by ClinVar (database versions not stated): gnomAD exomes below 0.00001; gnomAD 0.00001; TOPMed 0.00001.
gnomAD v4.1: 4 of 1,613,932 alleles (0.00025%); highest among the groups gnomAD compares: African/African-American, 0.0053%; no homozygotes.

Submissions (2):

Blueprint Genetics
Classification: Uncertain significance. Last evaluated: 2021-12-23. Review status: criteria provided, single submitter. Criteria: ACMG Guidelines, 2015. Collection method: clinical testing. Allele origin: germline.

Labcorp Genetics (formerly Invitae), Labcorp
Classification: Uncertain significance for Bardet-Biedl syndrome. Last evaluated: 2020-12-07. Review status: criteria provided, single submitter. Criteria: Invitae Variant Classification Sherloc (09022015). Collection method: clinical testing. Allele origin: germline.
Comment: This variant is not present in population databases (ExAC no frequency). In summary, the available evidence is currently insufficient to determine the role of this variant in disease. Therefore, it has been classified as a Variant of Uncertain Significance. Algorithms developed to predict the effect of missense changes on protein structure and function (SIFT, PolyPhen-2, Align-GVGD) all suggest that this variant is likely to be tolerated, but these predictions have not been confirmed by published functional studies and their clinical significance is uncertain. This variant has not been reported in the literature in individuals with TRIM32-related conditions. This sequence change replaces leucine with valine at codon 457 of the TRIM32 protein (p.Leu457Val). The leucine residue is moderately conserved and there is a small physicochemical difference between leucine and valine.